The following is an entry in ClinVar:

ClinVar aggregate classification (germline): Uncertain significance (1 of 4 stars; one submission).

Conditions:
Hereditary cancer-predisposing syndrome. Also called: Neoplastic Syndromes, Hereditary; Tumor predisposition; Hereditary Cancer Syndrome; Hereditary neoplastic syndrome. Identifiers: Orphanet 140162, MedGen C0027672, MeSH D009386, MONDO:0015356.

Submission:

Ambry Genetics
Classification: Uncertain significance for Hereditary cancer-predisposing syndrome. Last evaluated: 2023-07-24. Review status: criteria provided, single submitter. Criteria: Ambry Variant Classification Scheme 2023. Collection method: clinical testing. Allele origin: germline.
Comment: The c.2026C>A variant (also known as p.R676R), located in coding exon 11 of the DICER1 gene, results from a C to A substitution at nucleotide position 2026. This nucleotide substitution does not change the arginine at codon 676. This nucleotide position is well conserved in available vertebrate species. In silico splice site analysis for this alteration is inconclusive. Since supporting evidence is limited at this time, the clinical significance of this alteration remains unclear.

NM_177438.3(DICER1):c.2026C>A (p.Arg676=)

Gene: DICER1 (dicer 1, ribonuclease III; minus strand). Cytogenetic location: 14q32.13.
Variant type: single nucleotide variant.
Coding change: c.2026C>A on transcript NM_177438.3 (MANE Select); coding-DNA position 2026, C replaced by A.
Protein change: p.Arg676=; no amino-acid change (arginine 676 retained).
Molecular consequence: synonymous variant. On other transcripts: non-coding transcript variant (6).
Genome position (GRCh38, 1-based): chr14:95,113,106, G>T on the plus strand (C>A on the coding strand, the complement: DICER1 is on the minus strand). VCF-style: chr14-95113106-G-T. GRCh37 (hg19) VCF-style: chr14-95579443-G-T.
Other names: c.2026C>A, p.Arg676= (NM_001195573.1, NM_001271282.3, NM_001291628.2 and 13 more transcripts); c.1744C>A, p.Arg582= (NM_001395686.1); c.1621C>A, p.Arg541= (NM_001395687.1, NM_001395688.1, NM_001395689.1 and 3 more transcripts); c.1459C>A, p.Arg487= (NM_001395691.1); c.343C>A, p.Arg115= (NM_001395697.1).
Identifiers: ClinVar variation 1784652 (VCV001784652.4), dbSNP rs878855246, ClinGen allele CA487629921.